The following is an entry in ClinVar:

ClinVar aggregate classification (germline): Likely benign (1 of 4 stars; one submission).

Allele frequency attached by ClinVar (database versions not stated): TOPMed 0.00001.
gnomAD v4.1: 13 of 1,237,158 alleles (0.0011%); highest among the groups gnomAD compares: Middle Eastern, 0.025%; no homozygotes.

Submission:

GeneDx
Classification: Likely benign. Last evaluated: 2016-05-27. Review status: criteria provided, single submitter. Criteria: GeneDx Variant Classification (06012015). Collection method: clinical testing. Allele origin: germline. Affected: yes.
Comment: This variant is considered likely benign or benign based on one or more of the following criteria: it is a conservative change, it occurs at a poorly conserved position in the protein, it is predicted to be benign by multiple in silico algorithms, and/or has population frequency not consistent with disease.

NM_001037.5(SCN1B):c.*17C>T

Gene: SCN1B (sodium voltage-gated channel beta subunit 1; plus strand). Cytogenetic location: 19q13.11.
Variant type: single nucleotide variant.
Coding change: c.*17C>T on transcript NM_001037.5 (MANE Select); 17 bases downstream of the stop codon, C replaced by T.
Molecular consequence: 3 prime UTR variant.
Genome position (GRCh38, 1-based): chr19:35,039,808, C>T. VCF-style: chr19-35039808-C-T. GRCh37 (hg19) VCF-style: chr19-35530712-C-T.
Other names: c.*17C>T (NM_001321605.2).
Identifiers: ClinVar variation 386643 (VCV000386643.1), dbSNP rs1057522560, ClinGen allele CA16608203.
Genomic context (GRCh38, chr19:35,039,808, plus strand): 5'-GGCCGAAGTCCCCCAGGTCCCTAATTCCCCCTCTCTTGCTCCCCTTCAGGCCCTGGGCCC[C>T]GCCTCAAGGAAGAGCCAGCCGTAATGGGGACTCTCCAGGCACCGCCTGCCCCCAGCGTGG-3'